The following is an entry in ClinVar:

NM_000203.5(IDUA):c.1598C>T (p.Pro533Leu)

Gene: IDUA (alpha-L-iduronidase; plus strand). Cytogenetic location: 4p16.3.
Variant type: single nucleotide variant.
Coding change: c.1598C>T on transcript NM_000203.5 (MANE Select); coding-DNA position 1598, C replaced by T.
Protein change: p.Pro533Leu; replaces proline 533 with leucine.
Molecular consequence: missense variant. On other transcripts: non-coding transcript variant (1).
Genome position (GRCh38, 1-based): chr4:1,003,418, C>T. VCF-style: chr4-1003418-C-T. GRCh37 (hg19) VCF-style: chr4-997206-C-T.
Other names: c.1202C>T, p.Pro401Leu (NM_001363576.1); c.1598C>T (NM_000203.4); short protein forms P533L, P401L.
Identifiers: ClinVar variation 429205 (VCV000429205.15), dbSNP rs121965021, ClinGen allele CA355965029.

ClinVar aggregate classification (germline): Pathogenic/Likely pathogenic. Review status: criteria provided, multiple submitters, no conflicts (2 of 4 stars). 5 submissions from 5 submitters: Pathogenic (2); Likely pathogenic (2). 1 of the submissions does not count toward it. Last evaluated 2025-12-17.

Conditions:
Mucopolysaccharidosis type 1. Also called: IDUA deficiency; MPS I; Mucopolysaccharidosis Type I. Identifiers: Orphanet 579, MedGen C0023786, MONDO:0001586.

gnomAD v4.1: 2 of 1,529,188 alleles (0.00013%); highest among the groups gnomAD compares: Non-Finnish European, 0.00017%; no homozygotes.

Submissions (5):

Natera, Inc.
Classification: Pathogenic for Mucopolysaccharidosis type I. Last evaluated: 2025-12-17. Review status: criteria provided, single submitter. Criteria: Natera Variant Classification Schema (03/2026). Collection method: clinical testing. Allele origin: germline.
Comment: The c.1598C>T variant in IDUA is a missense variant predicted to cause substitution of proline to leucine at amino acid 533. This variant is rare in the general population with a frequency below the threshold expected for the associated phenotype(s). This variant has been observed in one or more individuals affected with the associated recessive disease, as either homozygous or compound heterozygous with a second variant (PMID: 27511503, 31194252, 9787109, 35141277). Computational prediction algorithms indicate this variant is likely to affect gene or protein function. Given the available evidence, this variant is classified as Pathogenic.

Labcorp Genetics (formerly Invitae), Labcorp
Classification: Pathogenic for Mucopolysaccharidosis type 1. Last evaluated: 2025-08-27. Review status: criteria provided, single submitter. Criteria: Invitae Variant Classification Sherloc (09022015). Collection method: clinical testing. Allele origin: germline.
Comment: This sequence change replaces proline, which is neutral and non-polar, with leucine, which is neutral and non-polar, at codon 533 of the IDUA protein (p.Pro533Leu). This variant is not present in population databases (gnomAD no frequency). This missense change has been observed in individuals with mucopolysaccharidosis (PMID: 9787109, 27511503). ClinVar contains an entry for this variant (Variation ID: 429205). Invitae Evidence Modeling of protein sequence and biophysical properties (such as structural, functional, and spatial information, amino acid conservation, physicochemical variation, residue mobility, and thermodynamic stability) indicates that this missense variant is expected to disrupt IDUA protein function with a positive predictive value of 95%. This variant disrupts the p.Pro533 amino acid residue in IDUA. Other variant(s) that disrupt this residue have been determined to be pathogenic (PMID: 1301941, 10911525, 16435195, 21521498, 23786846, 24368159). This suggests that this residue is clinically significant, and that variants that disrupt this residue are likely to be disease-causing. For these reasons, this variant has been classified as Pathogenic.

Broad Center for Mendelian Genomics, Broad Institute of MIT and Harvard
Classification: Likely pathogenic for Mucopolysaccharidosis type 1. Last evaluated: 2020-01-13. Review status: criteria provided, single submitter. Criteria: ACMG Guidelines, 2015. Collection method: curation. Allele origin: germline. Inheritance: Autosomal recessive inheritance.
Comment: The p.Pro533Leu variant in IDUA has been reported in 4 individuals with mucopolysaccharidosis (MPS) (PMID: 9787109, 27511503; doi: 10.7124/bc.00093B) and was absent from large population studies and no high quality genotypes at this site were noted to include this variant. This variant has also been reported in ClinVar (VariationID: 429205) as likely pathogenic by EGL Genetic Diagnostics. Computational prediction tools and conservation analyses suggest that this variant may impact the protein, though this information is not predictive enough to determine pathogenicity. One additional pathogenic variant, resulting in a different amino acid change at the same position, p.Pro533Arg, has been reported in association with disease in the literature and ClinVar, supporting that a change at this position may not be tolerated (VariationID: 11910; PMID: 24036510, 28752568, 27196898, 19748810). The p.Pro533Leu variant is located in a region of IDUA that is essential to protein folding and stability, suggesting that this variant is in a functional domain and supports pathogenicity (PMID: 24480078, 9787109, 27511503). The presence of this variant in one affected homozygote and in combination with a reported pathogenic variant in 2 individuals with MPS increases the likelihood that the p.Pro533Leu variant is pathogenic (VariationID: 11909; PMID: 9787109, 27511503; doi: 10.7124/bc.00093B). In summary, although additional studies are required to fully establish its clinical significance, this variant is likely pathogenic. ACMG/AMP Criteria applied: PM5, PM3, PM1, PM2_supporting, PP3 (Richards 2015).

Eurofins Ntd Llc (ga)
Classification: Likely pathogenic. Last evaluated: 2017-05-08. Review status: criteria provided, single submitter. Criteria: EGL Classification Definitions 2015. Collection method: clinical testing. Allele origin: germline. Observed: 1 variant allele, 1 homozygote.

GeneDx
No classification provided. Review status: no classification provided. Criteria: GeneDx Variant Classification (06012015). Collection method: clinical testing. Allele origin: germline. Affected: yes. Not counted in ClinVar's aggregate classification.
Comment: The P533R variant in the IDUA gene has been reported previously in the homozygous state or in the heterozygous state with a presumed second IDUA variant in individuals with MPS I (Alif et al., 1999; Laradi et al., 2005; Fahiminiya et al., 2014). The P533R variant is not observed in large population cohorts (Lek et al., 2016; 1000 Genomes Consortium et al., 2015; Exome Variant Server). The P533R variant is a non-conservative amino acid substitution, which is likely to impact secondary protein structure as these residues differ in polarity, charge, size and/or other properties. This substitution occurs at a position that is conserved across species. Functional studies of P533R indicate that this variant leads to a 50% reduction in the enzymatic rate of IDUA and confers lower thermodynamic stability compared to wild type protein (Bie et al., 2013). A missense variant in the same residue, P533L, has been previously identified in the heterozygous state with a second IDUA variant in two individuals with MPS I (Voskoboeva et al., 1998). Therefore, we interpret P533R as a pathogenic variant.

Literature cited by the submitters: PubMed 27511503 (cited by 3 submitters); PubMed 31194252 (cited by Natera, Inc.); PubMed 9787109 (cited by 3 submitters); PubMed 35141277 (cited by Natera, Inc.); PubMed 1301941 (cited by Labcorp Genetics (formerly Invitae), Labcorp); PubMed 10911525 (cited by Labcorp Genetics (formerly Invitae), Labcorp); PubMed 16435195 (cited by Labcorp Genetics (formerly Invitae), Labcorp); PubMed 21521498 (cited by Labcorp Genetics (formerly Invitae), Labcorp); PubMed 23786846 (cited by Labcorp Genetics (formerly Invitae), Labcorp); PubMed 24368159 (cited by Labcorp Genetics (formerly Invitae), Labcorp); PubMed 24480078 (cited by Broad Center for Mendelian Genomics, Broad Institute of MIT and Harvard).